The following is an entry in ClinVar:

ClinVar aggregate classification (germline): Benign (0 of 4 stars; one submission).

Conditions:
CYP4F2-related disorder. Also called: CYP4F2-related condition.

Allele frequency attached by ClinVar (database versions not stated): gnomAD exomes 0.00373; ExAC 0.01180; gnomAD 0.02902; TOPMed 0.03263; 1000 Genomes Project 0.03494; ESP Exome Variant Server 0.03498; 1000 Genomes Project 30x 0.03638.
gnomAD v4.1: 10,033 of 1,577,142 alleles (0.64%); highest among the groups gnomAD compares: African/African-American, 10%; 467 homozygotes.

Submission:

PreventionGenetics, part of Exact Sciences
Classification: Benign for CYP4F2-related condition. Last evaluated: 2019-07-12. Review status: no assertion criteria provided. Collection method: clinical testing. Allele origin: germline.
Comment: This variant is classified as benign based on ACMG/AMP sequence variant interpretation guidelines (Richards et al. 2015 PMID: 25741868, with internal and published modifications).

NM_001082.5(CYP4F2):c.279A>C (p.Gly93=)

Gene: CYP4F2 (cytochrome P450 family 4 subfamily F member 2; minus strand). Cytogenetic location: 19p13.12.
Variant type: single nucleotide variant.
Coding change: c.279A>C on transcript NM_001082.5 (MANE Select); coding-DNA position 279, A replaced by C.
Protein change: p.Gly93=; no amino-acid change (glycine 93 retained).
Molecular consequence: synonymous variant.
Genome position (GRCh38, 1-based): chr19:15,895,570, T>G on the plus strand (A>C on the coding strand, the complement: CYP4F2 is on the minus strand). VCF-style: chr19-15895570-T-G. GRCh37 (hg19) VCF-style: chr19-16006380-T-G.
Identifiers: ClinVar variation 3055346 (VCV003055346.2), dbSNP rs8100960, ClinGen allele CA9274104.
Genomic context (GRCh38, chr19:15,895,570, plus strand): 5'-GGCGTTGATGACAGACCGGATGATGTCGGGGTGGCACAAACTGAGGAGGGGGGAGATGGG[T>G]CCCATCCAGACCTTAAAGCCCTGGGGGTAGGTGGCCACCAGCTGAGTCAGAACTCTCATG-3'
Protein context (NP_001073.3, residues 83-103): TYPQGFKVWM[Gly93=]PISPLLSLCH